The following is an entry in ClinVar:

ClinVar aggregate classification (germline): Uncertain significance (1 of 4 stars; one submission).

Conditions:
Orofacial-digital syndrome IV (OFD4). Also called: MOHR-MAJEWSKI SYNDROME; OFD SYNDROME WITH TIBIAL DEFECTS; OFD SYNDROME, BARAITSER-BURN TYPE; OFDS IV; ORAL-FACIAL-DIGITAL SYNDROME, TYPE IV; BARAITSER-BURN SYNDROME. Identifiers: Orphanet 2753, MedGen C0406727, MONDO:0009794, OMIM 258860.
Joubert syndrome 18 (JBTS18). Identifiers: Orphanet 2754, MedGen C3553758, MONDO:0013896, OMIM 614815.

Submission:

Juno Genomics, Hangzhou Juno Genomics, Inc
Classification: Uncertain significance for Joubert syndrome 18; Orofacial-digital syndrome IV. Review status: criteria provided, single submitter. Criteria: ACMG Guidelines, 2015. Collection method: clinical testing. Allele origin: germline.
Comment: Absent from controls (or at extremely low frequency if recessive) in Genome Aggregation Database.

NM_015631.6(TCTN3):c.1293G>C (p.Lys431Asn)

Gene: TCTN3 (tectonic family member 3; minus strand). Cytogenetic location: 10q24.1.
Variant type: single nucleotide variant.
Coding change: c.1293G>C on transcript NM_015631.6 (MANE Select); coding-DNA position 1293, G replaced by C.
Protein change: p.Lys431Asn; replaces lysine 431 with asparagine.
Molecular consequence: missense variant.
Genome position (GRCh38, 1-based): chr10:95,683,106, C>G on the plus strand (G>C on the coding strand, the complement: TCTN3 is on the minus strand). VCF-style: chr10-95683106-C-G. GRCh37 (hg19) VCF-style: chr10-97442863-C-G.
Other names: c.849G>C, p.Lys283Asn (NM_001143973.2); c.1197G>C, p.Lys399Asn (NM_001410982.1); short protein forms K431N, K283N, K399N.
Identifiers: ClinVar variation 5007751 (VCV005007751.2).